The following is an entry in ClinVar:

NM_006182.4(DDR2):c.2224C>T (p.Arg742Trp)

Gene: DDR2 (discoidin domain receptor tyrosine kinase 2; plus strand). Cytogenetic location: 1q23.3.
Variant type: single nucleotide variant.
Coding change: c.2224C>T on transcript NM_006182.4 (MANE Select); coding-DNA position 2224, C replaced by T.
Protein change: p.Arg742Trp; replaces arginine 742 with tryptophan.
Molecular consequence: missense variant.
Genome position (GRCh38, 1-based): chr1:162,776,311, C>T. VCF-style: chr1-162776311-C-T. GRCh37 (hg19) VCF-style: chr1-162746101-C-T.
Other names: c.2224C>T, p.Arg742Trp (NM_001014796.3, NM_001354982.2, NM_001354983.2); c.2224C>T (NM_006182.2); short protein forms R742W.
Identifiers: ClinVar variation 2074777 (VCV002074777.3), dbSNP rs374058699, ClinGen allele CA1217745.

ClinVar aggregate classification (germline): Uncertain significance. Review status: criteria provided, multiple submitters, no conflicts (2 of 4 stars). 2 submissions from 2 submitters: Uncertain significance (2). Last evaluated 2025-09-07.

Conditions:
Inborn genetic diseases. Identifiers: MedGen C0950123, MeSH D030342.

Allele frequency attached by ClinVar (database versions not stated): ExAC 0.00002; TOPMed 0.00002; gnomAD 0.00003; ESP Exome Variant Server 0.00008.
gnomAD v4.1: 20 of 1,613,826 alleles (0.0012%); highest among the groups gnomAD compares: East Asian, 0.013%; 1 homozygote.

Submissions (2):

Labcorp Genetics (formerly Invitae), Labcorp
Classification: Uncertain significance. Last evaluated: 2025-09-07. Review status: criteria provided, single submitter. Criteria: Invitae Variant Classification Sherloc (09022015). Collection method: clinical testing. Allele origin: germline.
Comment: This sequence change replaces arginine, which is basic and polar, with tryptophan, which is neutral and slightly polar, at codon 742 of the DDR2 protein (p.Arg742Trp). This variant is present in population databases (rs374058699, gnomAD 0.03%). This variant has not been reported in the literature in individuals affected with DDR2-related conditions. ClinVar contains an entry for this variant (Variation ID: 2074777). An algorithm developed to predict the effect of missense changes on protein structure and function (PolyPhen-2) suggests that this variant is likely to be disruptive. In summary, the available evidence is currently insufficient to determine the role of this variant in disease. Therefore, it has been classified as a Variant of Uncertain Significance.

Ambry Genetics
Classification: Uncertain significance for Inborn genetic diseases. Last evaluated: 2024-04-09. Review status: criteria provided, single submitter. Criteria: Ambry Variant Classification Scheme 2023. Collection method: clinical testing. Allele origin: germline.